The following is an entry in ClinVar:

ClinVar aggregate classification (germline): Likely benign (0 of 4 stars; one submission).

Conditions:
INO80-related disorder. Also called: INO80-related condition.

Submission:

PreventionGenetics, part of Exact Sciences
Classification: Likely benign for INO80-related condition. Last evaluated: 2019-06-06. Review status: no assertion criteria provided. Collection method: clinical testing. Allele origin: germline.
Comment: This variant is classified as likely benign based on ACMG/AMP sequence variant interpretation guidelines (Richards et al. 2015 PMID: 25741868, with internal and published modifications).

NM_017553.3(INO80):c.928-14GTT[2]

Gene: INO80 (INO80 complex ATPase subunit; minus strand). Cytogenetic location: 15q15.1.
Variant type: Microsatellite.
Coding change: c.928-14GTT[2] on transcript NM_017553.3 (MANE Select); two copies in a row of the 3-base unit GTT starting at c.928-14; the reference has three copies in a row; one copy, 3 bases deleted.
Molecular consequence: intron variant.
Genome position (GRCh38, 1-based): chr15:41,079,910-41,079,912, AAC deleted on the plus strand (GTT on the coding strand, the reverse complement: INO80 is on the minus strand); deleting any 3 consecutive bases within chr15:41,079,910-41,079,919 gives the same sequence; the position shown is the placement nearest the transcript's 3' end. VCF-style (leftmost placement, unchanged base first): chr15-41079909-AAAC-A. GRCh37 (hg19) VCF-style: chr15-41372107-AAAC-A.
Identifiers: ClinVar variation 3043962 (VCV003043962.2), dbSNP rs540275980, ClinGen allele CA7489415.
Genomic context (GRCh38, chr15:41,079,909, plus strand): 5'-TTCTTCTGGGCCTGCAAGGCAGCTCGACGCACCTCCTTCATGCACTGGTGAGCAAGCTGA[AAAC>A]AACAACAGCATTACAGCGGAAAGGACCCCATACCAGAAGCTGGTTCTTCCTGGACTCTAA-3'